The following is an entry in ClinVar:

ClinVar aggregate classification (germline): Likely pathogenic (1 of 4 stars; one submission).

Submission:

GeneDx
Classification: Likely pathogenic. Last evaluated: 2022-08-30. Review status: criteria provided, single submitter. Criteria: GeneDx Variant Classification Process June 2021. Collection method: clinical testing. Allele origin: germline. Affected: yes.
Comment: Frameshift variant predicted to result in protein truncation or nonsense mediated decay in a gene for which loss-of-function is a known mechanism of disease; Not observed at significant frequency in large population cohorts (gnomAD); Has not been previously published as pathogenic or benign to our knowledge

NM_016343.4(CENPF):c.8451_8452del (p.Gln2818fs)

Gene: CENPF (centromere protein F; plus strand). Cytogenetic location: 1q41.
Variant type: Microsatellite.
Coding change: c.8451_8452del on transcript NM_016343.4 (MANE Select); coding-DNA positions 8451 to 8452, 2 bases deleted (TC; older notation c.8451_8452delTC).
Protein change: p.Gln2818fs; shifts the reading frame from glutamine 2818.
Molecular consequence: frameshift variant.
Genome position (GRCh38, 1-based): chr1:214,655,369-214,655,370, TC deleted; deleting any 2 consecutive bases within chr1:214,655,364-214,655,370 gives the same sequence; the c. name uses the placement nearest the transcript's 3' end. VCF-style (leftmost placement, unchanged base first): chr1-214655363-ACT-A. GRCh37 (hg19) VCF-style: chr1-214828706-ACT-A.
Other names: short protein forms Q2818fs.
Identifiers: ClinVar variation 1704133 (VCV001704133.2), dbSNP rs1558191518, ClinGen allele CA529001907.